The following is an entry in ClinVar:

ClinVar aggregate classification (germline): Likely benign. Review status: criteria provided, multiple submitters, no conflicts (2 of 4 stars). 2 submissions from 2 submitters: Likely benign (2). Last evaluated 2024-02-01.

Conditions:
Methylcobalamin deficiency type cblE (HMAE). Also called: HOMOCYSTINURIA-MEGALOBLASTIC ANEMIA, cblE COMPLEMENTATION TYPE; HOMOCYSTINURIA-MEGALOBLASTIC ANEMIA, cblE TYPE; VITAMIN B12-RESPONSIVE HOMOCYSTINURIA, cblE TYPE. Identifiers: Orphanet 2169, Orphanet 622, MedGen C1856057, MONDO:0009354, OMIM 236270.

Allele frequency attached by ClinVar (database versions not stated): gnomAD exomes 0.00003 and 0.00006; gnomAD 0.00004 and 0.00005; TOPMed 0.00006; ExAC 0.00007; 1000 Genomes Project 30x 0.00031; 1000 Genomes Project 0.00040.
gnomAD v4.1: 55 of 1,610,336 alleles (0.0034%); highest among the groups gnomAD compares: East Asian, 0.033%; no homozygotes.

Submissions (2):

Labcorp Genetics (formerly Invitae), Labcorp
Classification: Likely benign for Methylcobalamin deficiency type cblE. Last evaluated: 2024-02-01. Review status: criteria provided, single submitter. Criteria: Invitae Variant Classification Sherloc (09022015). Collection method: clinical testing. Allele origin: germline.

GeneDx
Classification: Likely benign. Last evaluated: 2017-05-22. Review status: criteria provided, single submitter. Criteria: GeneDx Variant Classification (06012015). Collection method: clinical testing. Allele origin: germline. Affected: yes.
Comment: This variant is considered likely benign or benign based on one or more of the following criteria: it is a conservative change, it occurs at a poorly conserved position in the protein, it is predicted to be benign by multiple in silico algorithms, and/or has population frequency not consistent with disease.

NM_002454.3(MTRR):c.402-19G>A

Gene: MTRR (5-methyltetrahydrofolate-homocysteine methyltransferase reductase; plus strand). Cytogenetic location: 5p15.31.
Variant type: single nucleotide variant.
Coding change: c.402-19G>A on transcript NM_002454.3 (MANE Select); 19 bases into the intron before coding-DNA position 402, G replaced by A.
Molecular consequence: intron variant.
Genome position (GRCh38, 1-based): chr5:7,877,925, G>A. VCF-style: chr5-7877925-G-A. GRCh37 (hg19) VCF-style: chr5-7878038-G-A.
Other names: c.402-19G>A (NM_001364440.2, NM_001364441.2, NM_001364442.2 and 1 more transcripts).
Identifiers: ClinVar variation 509464 (VCV000509464.9), dbSNP rs192942300, ClinGen allele CA3195602.